The following is an entry in ClinVar:

ClinVar aggregate classification (germline): Likely pathogenic (1 of 4 stars; one submission).

Conditions:
Methylmalonic aciduria due to complete methylmalonyl-CoA mutase deficiency.

Submission:

Natera, Inc.
Classification: Likely pathogenic for Methylmalonic aciduria due to complete methylmalonyl-CoA mutase deficiency. Last evaluated: 2025-12-15. Review status: criteria provided, single submitter. Criteria: Natera Variant Classification Schema (03/2026). Collection method: clinical testing. Allele origin: germline.
Comment: The c.53dup variant in MMUT is a frameshift variant predicted to shift the reading frame beginning at codon 19 and leads to a stop codon 30 codons downstream. This variant is expected to result in nonsense mediated decay, truncation, or a dysfunctional protein product. This variant is rare in the general population with a frequency below the threshold expected for the associated phenotype(s). Given the available evidence, this variant is classified as Likely Pathogenic.

NM_000255.4(MMUT):c.53dup (p.Val19fs)

Gene: MMUT (methylmalonyl-CoA mutase; minus strand). Cytogenetic location: 6p12.3.
Variant type: Duplication.
Coding change: c.53dup on transcript NM_000255.4 (MANE Select); coding-DNA position 53, one base duplicated (A; older notation c.53dupA).
Protein change: p.Val19fs; shifts the reading frame from valine 19.
Molecular consequence: frameshift variant.
Genome position (GRCh38, 1-based): chr6:49,459,414, T duplicated on the plus strand (A on the coding strand, the reverse complement: MMUT is on the minus strand). VCF-style (leftmost placement, unchanged base first): chr6-49459413-C-CT. GRCh37 (hg19) VCF-style: chr6-49427126-C-CT.
Other names: short protein forms V19fs.
Identifiers: ClinVar variation 4818007 (VCV004818007.1).